The following is an entry in ClinVar:

ClinVar aggregate classification (germline): Pathogenic. Review status: criteria provided, multiple submitters, no conflicts (2 of 4 stars). 2 submissions from 2 submitters: Pathogenic (2). Last evaluated 2024-05-29.

Conditions:
LAMA2-related muscular dystrophy (LAMA2-RD). Also called: Laminin alpha 2-related dystrophy. Identifiers: MedGen C5679788, MONDO:0100228.

Submissions (2):

Myriad Genetics, Inc.
Classification: Pathogenic for LAMA2-related muscular dystrophy. Last evaluated: 2024-05-29. Review status: criteria provided, single submitter. Criteria: Myriad Autosomal Dominant, Autosomal Recessive and X-Linked Classification Criteria (2023). Collection method: clinical testing. Allele origin: unknown.
Comment: NM_000426.3(LAMA2):c.5429dupA(N1810Kfs*13) is expected to be pathogenic in the context of muscular dystrophy, LAMA2-related. This variant is predicted to lead to an abnormal or absent protein product due to the creation of a premature termination codon in LAMA2, a gene where loss-of-function variants are known to be pathogenic. Please note: this variant was assessed in the context of healthy population screening.

Labcorp Genetics (formerly Invitae), Labcorp
Classification: Pathogenic for LAMA2-related muscular dystrophy. Last evaluated: 2022-04-08. Review status: criteria provided, single submitter. Criteria: Invitae Variant Classification Sherloc (09022015). Collection method: clinical testing. Allele origin: germline.
Comment: For these reasons, this variant has been classified as Pathogenic. This variant has not been reported in the literature in individuals affected with LAMA2-related conditions. This variant is not present in population databases (gnomAD no frequency). This sequence change creates a premature translational stop signal (p.Asn1810Lysfs*13) in the LAMA2 gene. It is expected to result in an absent or disrupted protein product. Loss-of-function variants in LAMA2 are known to be pathogenic (PMID: 18700894, 32904964).

Literature cited by the submitters: PubMed 18700894 (cited by Labcorp Genetics (formerly Invitae), Labcorp); PubMed 32904964 (cited by Labcorp Genetics (formerly Invitae), Labcorp).

NM_000426.4(LAMA2):c.5429dup (p.Asn1810fs)

Gene: LAMA2 (laminin subunit alpha 2; plus strand). Cytogenetic location: 6q22.33.
Variant type: Duplication.
Coding change: c.5429dup on transcript NM_000426.4 (MANE Select); coding-DNA position 5429, one base duplicated (A; older notation c.5429dupA).
Protein change: p.Asn1810fs; shifts the reading frame from asparagine 1810.
Molecular consequence: frameshift variant.
Genome position (GRCh38, 1-based): chr6:129,393,239, A duplicated; the last of 5 consecutive A bases (chr6:129,393,235-129,393,239); duplicating any one gives the same sequence. VCF-style (leftmost placement, unchanged base first): chr6-129393234-G-GA. GRCh37 (hg19) VCF-style: chr6-129714379-G-GA.
Other names: c.5429dup, p.Asn1810fs (NM_001079823.2); short protein forms N1810fs.
Identifiers: ClinVar variation 1960231 (VCV001960231.6), dbSNP rs1211886873, ClinGen allele CA818863509.